The following is an entry in ClinVar:

NM_005045.4(RELN):c.2770G>A (p.Ala924Thr)

Gene: RELN (reelin; minus strand). Cytogenetic location: 7q22.1.
Variant type: single nucleotide variant.
Coding change: c.2770G>A on transcript NM_005045.4 (MANE Select); coding-DNA position 2770, G replaced by A.
Protein change: p.Ala924Thr; replaces alanine 924 with threonine.
Molecular consequence: missense variant.
Genome position (GRCh38, 1-based): chr7:103,611,736, C>T on the plus strand (G>A on the coding strand, the complement: RELN is on the minus strand). VCF-style: chr7-103611736-C-T. GRCh37 (hg19) VCF-style: chr7-103252183-C-T.
Other names: c.2770G>A, p.Ala924Thr (NM_173054.3); short protein forms A924T.
Identifiers: ClinVar variation 2142843 (VCV002142843.4), dbSNP rs781364017, ClinGen allele CA4421929.

ClinVar aggregate classification (germline): Uncertain significance (1 of 4 stars; one submission).

Conditions:
Familial temporal lobe epilepsy 7. Identifiers: Orphanet 101046, MedGen C4225327, MONDO:0014639, OMIM 616436.
Norman-Roberts syndrome (LIS2). Also called: Lissencephaly 2 (Norman-Roberts type). Identifiers: Orphanet 89844, MedGen C0796089, MONDO:0009760, OMIM 257320.

Allele frequency attached by ClinVar (database versions not stated): ExAC 0.00001; gnomAD 0.00001; gnomAD exomes 0.00002; TOPMed 0.00002.
gnomAD v4.1: 31 of 1,612,978 alleles (0.0019%); highest among the groups gnomAD compares: African/African-American, 0.0027%; no homozygotes.

Submission:

Labcorp Genetics (formerly Invitae), Labcorp
Classification: Uncertain significance for Familial temporal lobe epilepsy 7; Norman-Roberts syndrome. Last evaluated: 2024-09-13. Review status: criteria provided, single submitter. Criteria: Invitae Variant Classification Sherloc (09022015). Collection method: clinical testing. Allele origin: germline.
Comment: This sequence change replaces alanine, which is neutral and non-polar, with threonine, which is neutral and polar, at codon 924 of the RELN protein (p.Ala924Thr). The frequency data for this variant in the population databases is considered unreliable, as metrics indicate poor data quality at this position in the gnomAD database. This variant has not been reported in the literature in individuals affected with RELN-related conditions. ClinVar contains an entry for this variant (Variation ID: 2142843). Invitae Evidence Modeling of protein sequence and biophysical properties (such as structural, functional, and spatial information, amino acid conservation, physicochemical variation, residue mobility, and thermodynamic stability) indicates that this missense variant is not expected to disrupt RELN protein function with a negative predictive value of 80%. In summary, the available evidence is currently insufficient to determine the role of this variant in disease. Therefore, it has been classified as a Variant of Uncertain Significance.